The following is an entry in ClinVar:

NM_000263.4(NAGLU):c.737C>A (p.Ala246Glu)

Gene: NAGLU (N-acetyl-alpha-glucosaminidase; plus strand). Cytogenetic location: 17q21.2.
Variant type: single nucleotide variant.
Coding change: c.737C>A on transcript NM_000263.4 (MANE Select); coding-DNA position 737, C replaced by A.
Protein change: p.Ala246Glu; replaces alanine 246 with glutamic acid.
Molecular consequence: missense variant.
Genome position (GRCh38, 1-based): chr17:42,538,728, C>A. VCF-style: chr17-42538728-C-A. GRCh37 (hg19) VCF-style: chr17-40690746-C-A.
Other names: short protein forms A246E.
Identifiers: ClinVar variation 2143794 (VCV002143794.1), dbSNP rs1405289098, ClinGen allele CA399599056.

ClinVar aggregate classification (germline): Uncertain significance (1 of 4 stars; one submission).

Conditions:
Charcot-Marie-Tooth disease axonal type 2V. Also called: CHARCOT-MARIE-TOOTH NEUROPATHY, TYPE 2V; CHARCOT-MARIE-TOOTH DISEASE, AXONAL, AUTOSOMAL DOMINANT, TYPE 2V. Identifiers: Orphanet 447964, MedGen C5569050, MONDO:0014665, OMIM 616491.
Mucopolysaccharidosis, MPS-III-B (MPS3B). Also called: N-ACETYL-ALPHA-D-GLUCOSAMINIDASE DEFICIENCY; NAGLU DEFICIENCY; SANFILIPPO SYNDROME B; MPS III B; MUCOPOLYSACCHARIDOSIS, TYPE IIIB; MPS IIIB (Sanfilippo Syndrome Type B). Identifiers: Orphanet 79270, MedGen C0086648, MONDO:0009656, OMIM 252920.

Allele frequency attached by ClinVar (database versions not stated): gnomAD 0.00001.
gnomAD v4.1: 4 of 1,613,916 alleles (0.00025%); highest among the groups gnomAD compares: Non-Finnish European, 0.00034%; no homozygotes.

Submission:

Labcorp Genetics (formerly Invitae), Labcorp
Classification: Uncertain significance for Charcot-Marie-Tooth disease axonal type 2V; Mucopolysaccharidosis, MPS-III-B. Last evaluated: 2021-12-19. Review status: criteria provided, single submitter. Criteria: Invitae Variant Classification Sherloc (09022015). Collection method: clinical testing. Allele origin: germline.
Comment: This sequence change replaces alanine, which is neutral and non-polar, with glutamic acid, which is acidic and polar, at codon 246 of the NAGLU protein (p.Ala246Glu). This variant is not present in population databases (gnomAD no frequency). This variant has not been reported in the literature in individuals affected with NAGLU-related conditions. Advanced modeling of protein sequence and biophysical properties (such as structural, functional, and spatial information, amino acid conservation, physicochemical variation, residue mobility, and thermodynamic stability) performed at Invitae indicates that this missense variant is expected to disrupt NAGLU protein function. In summary, the available evidence is currently insufficient to determine the role of this variant in disease. Therefore, it has been classified as a Variant of Uncertain Significance.